The following is an entry in ClinVar:

NM_004836.7(EIF2AK3):c.502C>T (p.Arg168Cys)

Gene: EIF2AK3 (eukaryotic translation initiation factor 2 alpha kinase 3; minus strand). Cytogenetic location: 2p11.2.
Variant type: single nucleotide variant.
Coding change: c.502C>T on transcript NM_004836.7 (MANE Select); coding-DNA position 502, C replaced by T.
Protein change: p.Arg168Cys; replaces arginine 168 with cysteine.
Molecular consequence: missense variant.
Genome position (GRCh38, 1-based): chr2:88,595,600, G>A on the plus strand (C>T on the coding strand, the complement: EIF2AK3 is on the minus strand). VCF-style: chr2-88595600-G-A. GRCh37 (hg19) VCF-style: chr2-88895118-G-A.
Other names: c.49C>T, p.Arg17Cys (NM_001313915.2); short protein forms R168C, R17C.
Identifiers: ClinVar variation 1019896 (VCV001019896.6), dbSNP rs762206822, ClinGen allele CA1754908.

ClinVar aggregate classification (germline): Uncertain significance. Review status: criteria provided, multiple submitters, no conflicts (2 of 4 stars). 2 submissions from 2 submitters: Uncertain significance (2). Last evaluated 2022-06-04.

Allele frequency attached by ClinVar (database versions not stated): gnomAD exomes 0.00001; ExAC 0.00002.
gnomAD v4.1: 22 of 1,613,808 alleles (0.0014%); highest among the groups gnomAD compares: Admixed American, 0.0017%; no homozygotes.

Submissions (2):

Labcorp Genetics (formerly Invitae), Labcorp
Classification: Uncertain significance. Last evaluated: 2022-06-04. Review status: criteria provided, single submitter. Criteria: Invitae Variant Classification Sherloc (09022015). Collection method: clinical testing. Allele origin: germline.
Comment: This sequence change replaces arginine, which is basic and polar, with cysteine, which is neutral and slightly polar, at codon 168 of the EIF2AK3 protein (p.Arg168Cys). This variant is present in population databases (rs762206822, gnomAD 0.003%). This variant has not been reported in the literature in individuals affected with EIF2AK3-related conditions. ClinVar contains an entry for this variant (Variation ID: 1019896). Algorithms developed to predict the effect of missense changes on protein structure and function are either unavailable or do not agree on the potential impact of this missense change (SIFT: "Tolerated"; PolyPhen-2: "Probably Damaging"; Align-GVGD: "Class C0"). In summary, the available evidence is currently insufficient to determine the role of this variant in disease. Therefore, it has been classified as a Variant of Uncertain Significance.

Blueprint Genetics
Classification: Uncertain significance. Last evaluated: 2021-12-01. Review status: criteria provided, single submitter. Criteria: ACMG Guidelines, 2015. Collection method: clinical testing. Allele origin: germline.